The following is an entry in ClinVar:

NM_144596.4(TTC8):c.923T>C (p.Met308Thr)

Gene: TTC8 (tetratricopeptide repeat domain 8; plus strand). Cytogenetic location: 14q31.3.
Variant type: single nucleotide variant.
Coding change: c.923T>C on transcript NM_144596.4 (MANE Select); coding-DNA position 923, T replaced by C.
Protein change: p.Met308Thr; replaces methionine 308 with threonine.
Molecular consequence: missense variant. On other transcripts: non-coding transcript variant (1).
Genome position (GRCh38, 1-based): chr14:88,870,072, T>C. VCF-style: chr14-88870072-T-C. GRCh37 (hg19) VCF-style: chr14-89336416-T-C.
Other names: c.971T>C, p.Met324Thr (NM_001288781.1); c.329T>C, p.Met110Thr (NM_001288782.1); c.206T>C, p.Met69Thr (NM_001288783.1); c.893T>C, p.Met298Thr (NM_001366535.2, NM_198309.3); c.803T>C, p.Met268Thr (NM_001366536.2, NM_198310.3); c.923T>C (NM_144596.3); short protein forms M298T, M308T, M268T, M324T, M69T, M110T.
Identifiers: ClinVar variation 1496723 (VCV001496723.7), dbSNP rs2094927396, ClinGen allele CA390549244.

ClinVar aggregate classification (germline): Uncertain significance. Review status: criteria provided, multiple submitters, no conflicts (2 of 4 stars). 3 submissions from 3 submitters: Uncertain significance (3). Last evaluated 2024-04-22.

Conditions:
Retinitis pigmentosa 51 (RP51). Identifiers: Orphanet 791, MedGen C3150715, MONDO:0013274, OMIM 613464.
Bardet-Biedl syndrome 8 (BBS8). Identifiers: Orphanet 110, MedGen C1859566, MONDO:0014436, OMIM 615985.
Bardet-Biedl syndrome (BBS). Identifiers: Orphanet 110, MedGen C0752166, MONDO:0015229.
TTC8-related disorder. Also called: TTC8-related condition.

Allele frequency attached by ClinVar (database versions not stated): gnomAD exomes below 0.00001.
gnomAD v4.1: 3 of 1,613,968 alleles (0.00019%); highest among the groups gnomAD compares: Non-Finnish European, 0.00025%; no homozygotes.

Submissions (3):

Fulgent Genetics
Classification: Uncertain significance for Retinitis pigmentosa 51; Bardet-Biedl syndrome 8. Last evaluated: 2024-04-22. Review status: criteria provided, single submitter. Criteria: ACMG Guidelines, 2015. Collection method: clinical testing. Allele origin: germline.

PreventionGenetics, part of Exact Sciences
Classification: Uncertain significance for TTC8-related condition. Last evaluated: 2023-10-10. Review status: criteria provided, single submitter. Criteria: ACMG Guidelines, 2015. Collection method: clinical testing. Allele origin: germline.
Comment: The TTC8 c.923T>C variant is predicted to result in the amino acid substitution p.Met308Thr. To our knowledge, this variant has not been reported in the literature or in a large population database, indicating this variant is rare. At this time, the clinical significance of this variant is uncertain due to the absence of conclusive functional and genetic evidence.

Labcorp Genetics (formerly Invitae), Labcorp
Classification: Uncertain significance for Bardet-Biedl syndrome. Last evaluated: 2022-08-08. Review status: criteria provided, single submitter. Criteria: Invitae Variant Classification Sherloc (09022015). Collection method: clinical testing. Allele origin: germline.
Comment: This sequence change replaces methionine, which is neutral and non-polar, with threonine, which is neutral and polar, at codon 298 of the TTC8 protein (p.Met298Thr). This variant is not present in population databases (gnomAD no frequency). This variant has not been reported in the literature in individuals affected with TTC8-related conditions. ClinVar contains an entry for this variant (Variation ID: 1496723). Algorithms developed to predict the effect of missense changes on protein structure and function (SIFT, PolyPhen-2, Align-GVGD) all suggest that this variant is likely to be tolerated. In summary, the available evidence is currently insufficient to determine the role of this variant in disease. Therefore, it has been classified as a Variant of Uncertain Significance.